The following is an entry in ClinVar:

ClinVar aggregate classification (germline): Pathogenic (1 of 4 stars; one submission).

Conditions:
Glycogen storage disease, type IV (GSD4). Also called: AMYLOPECTINOSIS; ANDERSEN DISEASE; BRANCHER DEFICIENCY; CIRRHOSIS, FAMILIAL, WITH DEPOSITION OF ABNORMAL GLYCOGEN; GBE1 DEFICIENCY; GLYCOGEN BRANCHING ENZYME DEFICIENCY. Identifiers: Orphanet 367, MedGen C0017923, MONDO:0009292, OMIM 232500.

Submission:

Myriad Genetics, Inc.
Classification: Pathogenic for Glycogen storage disease, type IV. Last evaluated: 2024-05-14. Review status: criteria provided, single submitter. Criteria: Myriad Autosomal Dominant, Autosomal Recessive and X-Linked Classification Criteria (2023). Collection method: clinical testing. Allele origin: unknown.
Comment: NM_000158.3(GBE1):c.1482_1483ins13(M495Yfs*24) is expected to be pathogenic in the context of glycogen storage disease, GBE1-related. This variant is predicted to lead to an abnormal or absent protein product due to the creation of a premature termination codon in GBE1, a gene where loss-of-function variants are known to be pathogenic. Please note: this variant was assessed in the context of healthy population screening.

NM_000158.4(GBE1):c.1482_1483insTATAAGAGACAGT (p.Met495fs)

Gene: GBE1 (1,4-alpha-glucan branching enzyme 1; minus strand). Cytogenetic location: 3p12.2.
Variant type: Insertion.
Coding change: c.1482_1483insTATAAGAGACAGT on transcript NM_000158.4 (MANE Select); coding-DNA positions 1482 to 1483, TATAAGAGACAGT inserted.
Protein change: p.Met495fs; shifts the reading frame from methionine 495.
Molecular consequence: frameshift variant.
Genome position: GRCh38 VCF-style: chr3-81578060-T-TACTGTCTCTTATA. GRCh37 (hg19) VCF-style: chr3-81627211-T-TACTGTCTCTTATA.
Other names: short protein forms M495fs.
Identifiers: ClinVar variation 5010893 (VCV005010893.1).